The following is an entry in ClinVar:

ClinVar aggregate classification (germline): Benign. Review status: reviewed by expert panel (3 of 4 stars). 34 submissions from 33 submitters: Benign (1). 33 of the submissions do not count toward it. Last evaluated 2015-08-10.

Conditions:
BRCA1-related cancer predisposition. Identifiers: MedGen CN377757, MONDO:0700268.
Fanconi anemia, complementation group S (FANCS). Identifiers: MedGen C4554406, MONDO:0054748, OMIM 617883.
Breast-ovarian cancer, familial, susceptibility to, 1 (BROVCA1). Also called: BRCA1 Hereditary Breast and Ovarian Cancer; OVARIAN CANCER, SUSCEPTIBILITY TO. Identifiers: Orphanet 145, MedGen C2676676, MONDO:0011450, OMIM 604370. Disease mechanism: loss of function.
Familial cancer of breast. Also called: BREAST CANCER, FAMILIAL; hereditary breast carcinoma; Hereditary breast cancer. Identifiers: Orphanet 227535, MedGen C0346153, MONDO:0016419, OMIM 114480. Disease mechanism: loss of function.
Pancreatic cancer, susceptibility to, 4. Identifiers: Orphanet 1333, MedGen C3280442, MONDO:0013685, OMIM 614320.
Breast and/or ovarian cancer. Identifiers: MedGen CN221562.
Hereditary cancer-predisposing syndrome. Also called: Hereditary Cancer Syndrome; Tumor predisposition; Neoplastic Syndromes, Hereditary; Hereditary neoplastic syndrome. Identifiers: Orphanet 140162, MedGen C0027672, MeSH D009386, MONDO:0015356.
Breast neoplasm. Also called: Breast Neoplasms; Neoplasm of the breast; Neoplasm of breast; Breast tumor. Identifiers: MedGen C1458155, MeSH D001943, MONDO:0021100, HP:0100013. Disease mechanism: gain of function.
Hereditary breast ovarian cancer syndrome. Also called: Breast and ovarian cancer; BRCA1- and BRCA2-Associated Hereditary Breast and Ovarian Cancer; Hereditary breast and ovarian cancer; Hereditary breast and ovarian cancer syndrome (HBOC); Hereditary breast and ovarian cancer syndrome; Hereditary breast and/or ovarian cancer syndrome. Identifiers: Orphanet 145, MedGen C0677776, MeSH D061325, MONDO:0003582. Disease mechanism: loss of function.
Malignant tumor of breast. Also called: Malignant breast neoplasm; Cancer breast. Identifiers: MedGen C0006142, MONDO:0007254. Disease mechanism: loss of function.

Allele frequency attached by ClinVar (database versions not stated): ESP Exome Variant Server 0.00008; gnomAD exomes 0.00043 and 0.00167; gnomAD 0.00046 and 0.00061; TOPMed 0.00072; ExAC 0.00152; 1000 Genomes Project 30x 0.00234; 1000 Genomes Project 0.00300.
gnomAD v4.1: 762 of 1,613,694 alleles (0.047%); highest among the groups gnomAD compares: East Asian, 1.4%; 5 homozygotes.

Submissions 1 to 17 of 34:

Evidence-based Network for the Interpretation of Germline Mutant Alleles (ENIGMA)
Classification: Benign for Breast-ovarian cancer, familial 1. Last evaluated: 2015-08-10. Review status: reviewed by expert panel. Criteria: ENIGMA BRCA1/2 Classification Criteria (2015). Collection method: curation. Allele origin: germline.
Comment: IARC class based on posterior probability from multifactorial likelihood analysis, thresholds for class as per Plon et al. 2008 (PMID: 18951446). Class 1 based on posterior probability = 0.00018. Also class 1 based on frequency >1% in an outbred sampleset. Frequency 0.01399 (Asian), derived from 1000 genomes (2012-04-30).

CeGaT Center for Human Genetics Tuebingen
Classification: Likely benign. Last evaluated: 2026-06-01. Review status: criteria provided, single submitter. Criteria: CeGaT Center For Human Genetics Tuebingen Variant Classification Criteria Version 2. Collection method: clinical testing. Allele origin: germline. Affected: yes. Observed: 3 variant alleles. Not counted in ClinVar's aggregate classification.
Comment: BRCA1: BS1

Labcorp Genetics (formerly Invitae), Labcorp
Classification: Benign for Hereditary breast ovarian cancer syndrome. Last evaluated: 2026-02-03. Review status: criteria provided, single submitter. Criteria: Invitae Variant Classification Sherloc (09022015). Collection method: clinical testing. Allele origin: germline. Not counted in ClinVar's aggregate classification.

ARUP Laboratories, Molecular Genetics and Genomics, ARUP Laboratories
Classification: Benign. Last evaluated: 2025-04-29. Review status: criteria provided, single submitter. Criteria: ARUP Molecular Germline Variant Investigation Process 2024. Collection method: clinical testing. Allele origin: germline. Not counted in ClinVar's aggregate classification.

Center for Genomic Medicine, Rigshospitalet, Copenhagen University Hospital
Classification: Benign. Last evaluated: 2025-03-04. Review status: criteria provided, single submitter. Criteria: ACMG Guidelines, 2015. Collection method: clinical testing. Allele origin: germline. Not counted in ClinVar's aggregate classification.

KCCC/NGS Laboratory, Kuwait Cancer Control Center
Classification: Benign for Breast-ovarian cancer, familial, susceptibility to, 1. Last evaluated: 2025-02-01. Review status: criteria provided, single submitter. Criteria: ACMG Guidelines, 2015. Collection method: clinical testing. Allele origin: germline. Affected: no. Not counted in ClinVar's aggregate classification.

Blueprint Genetics
Classification: Benign. Last evaluated: 2024-11-14. Review status: criteria provided, single submitter. Criteria: ACMG Guidelines, 2015. Collection method: clinical testing. Allele origin: germline. Not counted in ClinVar's aggregate classification.

All of Us Research Program, National Institutes of Health
Classification: Benign for BRCA1-related cancer predisposition. Last evaluated: 2024-09-23. Review status: criteria provided, single submitter. Criteria: ACMG Guidelines, 2015. Collection method: clinical testing. Allele origin: germline. Inheritance: Autosomal dominant inheritance. Observed: 162 variant alleles, 161 heterozygotes, 1 homozygote. Not counted in ClinVar's aggregate classification.
Comment: This study involves interpretation of variants in research participants for the purpose of population health screening. Participant phenotype was not available at the time of variant classification. Additional details can be found in publication PMID: 35346344, PMCID: PMC8962531

Mayo Clinic Laboratories, Mayo Clinic
Classification: Benign. Last evaluated: 2023-10-02. Review status: criteria provided, single submitter. Criteria: ACMG Guidelines, 2015. Collection method: clinical testing. Allele origin: germline. Observed: 2 variant alleles. Not counted in ClinVar's aggregate classification.
Comment: BA1

Fulgent Genetics
Classification: Likely benign for Familial cancer of breast; Breast-ovarian cancer, familial, susceptibility to, 1; Pancreatic cancer, susceptibility to, 4; Fanconi anemia, complementation group S. Last evaluated: 2022-05-21. Review status: criteria provided, single submitter. Criteria: ACMG Guidelines, 2015. Collection method: clinical testing. Allele origin: unknown. Not counted in ClinVar's aggregate classification.

National Health Laboratory Service, Universitas Academic Hospital and University of the Free State
Classification: Benign for Hereditary breast ovarian cancer syndrome. Last evaluated: 2021-11-16. Review status: criteria provided, single submitter. Criteria: ACMG Guidelines, 2015. Collection method: clinical testing. Allele origin: germline. Affected: yes. Observed: 23 variant alleles. Not counted in ClinVar's aggregate classification.

Sema4
Classification: Benign for Hereditary cancer-predisposing syndrome. Last evaluated: 2020-12-11. Review status: criteria provided, single submitter. Criteria: Sema4 Curation Guidelines. Collection method: curation. Allele origin: germline. Not counted in ClinVar's aggregate classification.

Genetic Services Laboratory, University of Chicago
Classification: Likely benign. Last evaluated: 2019-11-18. Review status: criteria provided, single submitter. Criteria: ACMG Guidelines, 2015. Collection method: clinical testing. Allele origin: germline. Affected: no. Not counted in ClinVar's aggregate classification.

Illumina Laboratory Services, Illumina
Classification: Benign for Breast-ovarian cancer, familial, susceptibility to, 1. Last evaluated: 2018-03-06. Review status: criteria provided, single submitter. Criteria: ICSL Variant Classification Criteria 13 December 2019. Collection method: clinical testing. Allele origin: germline. Not counted in ClinVar's aggregate classification.
Comment: This variant was observed in the ICSL laboratory as part of a predisposition screen in an ostensibly healthy population. It had not been previously curated by ICSL or reported in the Human Gene Mutation Database (HGMD: prior to June 1st, 2018), and was therefore a candidate for classification through an automated scoring system. Utilizing variant allele frequency, disease prevalence and penetrance estimates, and inheritance mode, an automated score was calculated to assess if this variant is too frequent to cause the disease. Based on the score and internal cut-off values, a variant classified as benign is not then subjected to further curation. The score for this variant resulted in a classification of benign for this disease.

GeneKor MSA
Classification: Benign. Last evaluated: 2017-11-01. Review status: criteria provided, single submitter. Criteria: ACMG Guidelines, 2015. Collection method: clinical testing. Allele origin: germline. Affected: yes. Not counted in ClinVar's aggregate classification.

Institute for Biomarker Research, Medical Diagnostic Laboratories, L.L.C.
Classification: Likely benign for Hereditary cancer-predisposing syndrome. Last evaluated: 2017-07-12. Review status: criteria provided, single submitter. Criteria: ACMG Guidelines, 2015. Collection method: clinical testing. Allele origin: germline. Not counted in ClinVar's aggregate classification.

Cancer Genetics and Genomics Laboratory, British Columbia Cancer Agency
Classification: Benign. Last evaluated: 2017-04-18. Review status: criteria provided, single submitter. Criteria: ACMG Guidelines, 2015. Collection method: clinical testing. Allele origin: germline. Study: The Canadian Open Genetics Repository (COGR). Not counted in ClinVar's aggregate classification.

NM_007294.4(BRCA1):c.2566T>C (p.Tyr856His)

Gene: BRCA1 (BRCA1 DNA repair associated; minus strand). Cytogenetic location: 17q21.31.
Variant type: single nucleotide variant.
Coding change: c.2566T>C on transcript NM_007294.4 (MANE Select); coding-DNA position 2566, T replaced by C.
Protein change: p.Tyr856His; replaces tyrosine 856 with histidine.
Molecular consequence: missense variant. On other transcripts: intron variant (137).
Genome position (GRCh38, 1-based): chr17:43,092,965, A>G on the plus strand (T>C on the coding strand, the complement: BRCA1 is on the minus strand). VCF-style: chr17-43092965-A-G. GRCh37 (hg19) VCF-style: chr17-41244982-A-G.
Other names: Y865H; p.Y856H:TAT>CAT; NP_009225.1:p.Tyr856His; 2685T>C; c.2353T>C, p.Tyr785His (NM_001407571.1, NM_001407899.1, NM_001407853.1 and 9 more transcripts); c.2566T>C, p.Tyr856His (NM_001407581.1, NM_001407582.1, NM_001407583.1 and 30 more transcripts); c.2563T>C, p.Tyr855His (NM_001407610.1, NM_001407611.1, NM_001407612.1 and 22 more transcripts); c.2443T>C, p.Tyr815His (NM_001407648.1, NM_001407669.1, NM_001407674.1 and 19 more transcripts); and 45 more; short protein forms Y856H, Y809H, Y786H, Y808H, Y728H, Y768H, Y814H, Y815H.
Identifiers: ClinVar variation 54604 (VCV000054604.128), dbSNP rs80356892, ClinGen allele CA001692.
Genomic context (GRCh38, chr17:43,092,965, plus strand): 5'-CTGGATTTGAAAACGGAGCAAATGACTGGCGCTTTGAAACCTTGAATGTATTCTGCAAAT[A>G]CTGAGCATCAAGTTCACTTTCTTCCATTTCTATGCTTGTTTCCCGACTGTGGTTAACTTC-3'
Protein context (NP_009225.1, residues 846-866): EMEESELDAQ[Tyr856His]LQNTFKVSKR